The following is an entry in ClinVar:

ClinVar aggregate classification (germline): Uncertain significance (1 of 4 stars; one submission).

Allele frequency attached by ClinVar (database versions not stated): TOPMed 0.00001; gnomAD 0.00001.
gnomAD v4.1: 8 of 1,608,240 alleles (0.0005%); highest among the groups gnomAD compares: African/African-American, 0.0013%; no homozygotes.

Submission:

Labcorp Genetics (formerly Invitae), Labcorp
Classification: Uncertain significance. Last evaluated: 2021-11-05. Review status: criteria provided, single submitter. Criteria: Invitae Variant Classification Sherloc (09022015). Collection method: clinical testing. Allele origin: germline.
Comment: This sequence change replaces proline, which is neutral and non-polar, with serine, which is neutral and polar, at codon 3050 of the VPS13A protein (p.Pro3050Ser). This variant is not present in population databases (gnomAD no frequency). This variant has not been reported in the literature in individuals affected with VPS13A-related conditions. Algorithms developed to predict the effect of missense changes on protein structure and function are either unavailable or do not agree on the potential impact of this missense change (SIFT: "Tolerated"; PolyPhen-2: "Possibly Damaging"; Align-GVGD: "Class C0"). In summary, the available evidence is currently insufficient to determine the role of this variant in disease. Therefore, it has been classified as a Variant of Uncertain Significance.

NM_033305.3(VPS13A):c.9148C>T (p.Pro3050Ser)

Gene: VPS13A (vacuolar protein sorting 13 homolog A; plus strand). Cytogenetic location: 9q21.2.
Variant type: single nucleotide variant.
Coding change: c.9148C>T on transcript NM_033305.3 (MANE Select); coding-DNA position 9148, C replaced by T.
Protein change: p.Pro3050Ser; replaces proline 3050 with serine.
Molecular consequence: missense variant.
Genome position (GRCh38, 1-based): chr9:77,382,046, C>T. VCF-style: chr9-77382046-C-T. GRCh37 (hg19) VCF-style: chr9-79996962-C-T.
Other names: c.9031C>T, p.Pro3011Ser (NM_001018037.2); c.9148C>T, p.Pro3050Ser (NM_001018038.3, NM_015186.4); short protein forms P3050S, P3011S.
Identifiers: ClinVar variation 1447177 (VCV001447177.3), dbSNP rs1227181918, ClinGen allele CA373870510.